The following is an entry in ClinVar:

NM_001159699.2(FHL1):c.322T>A (p.Cys108Ser)

Gene: FHL1 (four and a half LIM domains 1; plus strand). Cytogenetic location: Xq26.3.
Variant type: single nucleotide variant.
Coding change: c.322T>A on transcript NM_001159699.2 (MANE Select); coding-DNA position 322, T replaced by A.
Protein change: p.Cys108Ser; replaces cysteine 108 with serine.
Molecular consequence: missense variant. On other transcripts: non-coding transcript variant (1).
Genome position (GRCh38, 1-based): chrX:136,207,133, T>A. VCF-style: chrX-136207133-T-A. GRCh37 (hg19) VCF-style: chrX-135289292-T-A.
Other names: c.274T>A, p.Cys92Ser (NM_001159700.2, NM_001159702.3, NM_001159703.2 and 9 more transcripts); c.361T>A, p.Cys121Ser (NM_001159701.2); c.322T>A, p.Cys108Ser (NM_001330659.2); short protein forms C121S, C92S, C108S.
Identifiers: ClinVar variation 836894 (VCV000836894.12), dbSNP rs1375411779, ClinGen allele CA414608148.

ClinVar aggregate classification (germline): Uncertain significance. Review status: criteria provided, multiple submitters, no conflicts (2 of 4 stars). 5 submissions from 5 submitters: Uncertain significance (5). Last evaluated 2025-08-08.

Conditions:
X-linked cardiomyopathies.
X-linked myopathies.
Cardiovascular phenotype. Identifiers: MedGen CN230736.
X-linked myopathy with postural muscle atrophy. Also called: FHL1-Related Emery-Dreifuss Muscular Dystrophy, X-Linked. Identifiers: Orphanet 178461, MedGen C2678055, MONDO:0010401, OMIM 300696.

Allele frequency attached by ClinVar (database versions not stated): TOPMed below 0.00001; gnomAD 0.00001.
gnomAD v4.1: 1 of 1,209,968 alleles (0.000083%); highest among the groups gnomAD compares: East Asian, 0.003%; no homozygotes.

Submissions (5):

Labcorp Genetics (formerly Invitae), Labcorp
Classification: Uncertain significance for X-linked myopathy with postural muscle atrophy. Last evaluated: 2025-08-08. Review status: criteria provided, single submitter. Criteria: Invitae Variant Classification Sherloc (09022015). Collection method: clinical testing. Allele origin: germline.
Comment: This sequence change replaces cysteine, which is neutral and slightly polar, with serine, which is neutral and polar, at codon 92 of the FHL1 protein (p.Cys92Ser). This variant is not present in population databases (gnomAD no frequency). This variant has not been reported in the literature in individuals affected with FHL1-related conditions. ClinVar contains an entry for this variant (Variation ID: 836894). An algorithm developed to predict the effect of missense changes on protein structure and function (PolyPhen-2) suggests that this variant is likely to be disruptive. In summary, the available evidence is currently insufficient to determine the role of this variant in disease. Therefore, it has been classified as a Variant of Uncertain Significance.

Revvity Omics, Revvity
Classification: Uncertain significance. Last evaluated: 2025-03-05. Review status: criteria provided, single submitter. Criteria: ACMG Guidelines, 2015. Collection method: clinical testing. Allele origin: germline.

Ambry Genetics
Classification: Uncertain significance for Cardiovascular phenotype. Last evaluated: 2024-01-29. Review status: criteria provided, single submitter. Criteria: Ambry Variant Classification Scheme 2023. Collection method: clinical testing. Allele origin: germline.
Comment: The p.C92S variant (also known as c.274T>A), located in coding exon 2 of the FHL1 gene, results from a T to A substitution at nucleotide position 274. The cysteine at codon 92 is replaced by serine, an amino acid with dissimilar properties. This amino acid position is conserved. In addition, this alteration is predicted to be deleterious by in silico analysis. Based on the available evidence, the clinical significance of this alteration remains unclear.

Blueprint Genetics
Classification: Uncertain significance. Last evaluated: 2023-03-31. Review status: criteria provided, single submitter. Criteria: ACMG Guidelines, 2015. Collection method: clinical testing. Allele origin: germline.

Clinical Genomics Laboratory, Stanford Medicine
Classification: Uncertain significance for X-linked cardiomyopathies; X-linked myopathies. Last evaluated: 2021-11-11. Review status: criteria provided, single submitter. Criteria: ACMG Guidelines, 2015. Collection method: clinical testing. Allele origin: germline. Observed: 1 variant allele, 1 hemizygote.
Comment: The p.Cys92Ser variant in the FHL1 gene has not been previously reported in association with disease. This variant was absent from large population databases, including the Genome Aggregation Database. Computational tools predict that this variant is deleterious; however, the accuracy of in silico algorithms is limited. These data were assessed using the ACMG/AMP variant interpretation guidelines. In summary, the significance of the p.Cys92Ser variant is uncertain. Additional information is needed to resolve the significance of this variant. [ACMG evidence codes used: PM2; PP3]